The following is an entry in ClinVar:

ClinVar aggregate classification (germline): Uncertain significance (1 of 4 stars; one submission).

gnomAD v4.1: 2 of 1,613,474 alleles (0.00012%); highest among the groups gnomAD compares: Admixed American, 0.0017%; no homozygotes.

Submission:

Women's Health and Genetics/Laboratory Corporation of America, LabCorp
Classification: Uncertain significance. Last evaluated: 2024-09-30. Review status: criteria provided, single submitter. Criteria: LabCorp Variant Classification Summary - May 2015. Collection method: clinical testing. Allele origin: germline.
Comment: Variant summary: TTN c.78287G>C (p.Gly26096Ala) results in a non-conservative amino acid change located in the A-band of the encoded protein sequence. Three of four in-silico tools predict a benign effect of the variant on protein function. The variant allele was found at a frequency of 4e-06 in 248106 control chromosomes (gnomAD). The available data on variant occurrences in the general population are insufficient to allow any conclusion about variant significance. To our knowledge, no occurrence of c.78287G>C in individuals affected with Limb-Girdle Muscular Dystrophy, Type 2J and no experimental evidence demonstrating its impact on protein function have been reported. No submitters have cited clinical-significance assessments for this variant to ClinVar. Based on the evidence outlined above, the variant was classified as uncertain significance.

NM_001267550.2(TTN):c.85991G>C (p.Gly28664Ala)

Genes: TTN (titin; minus strand), TTN-AS1 (TTN antisense RNA 1; plus strand). Cytogenetic location: 2q31.2.
Variant type: single nucleotide variant.
Coding change: c.85991G>C on transcript NM_001267550.2 (MANE Select); coding-DNA position 85991, G replaced by C.
Protein change: p.Gly28664Ala; replaces glycine 28664 with alanine.
Molecular consequence: missense variant.
Genome position (GRCh38, 1-based): chr2:178,560,141, C>G on the plus strand (G>C on the coding strand, the complement: TTN is on the minus strand). VCF-style: chr2-178560141-C-G. GRCh37 (hg19) VCF-style: chr2-179424868-C-G.
Other names: c.81068G>C, p.Gly27023Ala (NM_001256850.1); c.58796G>C, p.Gly19599Ala (NM_003319.4); c.78287G>C, p.Gly26096Ala (NM_133378.4); c.59171G>C, p.Gly19724Ala (NM_133432.3); c.59372G>C, p.Gly19791Ala (NM_133437.4); short protein forms G19599A, G19724A, G19791A, G26096A, G27023A, G28664A.
Identifiers: ClinVar variation 3374938 (VCV003374938.1).